The following is an entry in ClinVar:

ClinVar aggregate classification (germline): Pathogenic (1 of 4 stars; one submission).

Allele frequency attached by ClinVar (database versions not stated): gnomAD exomes below 0.00001; TOPMed below 0.00001; gnomAD 0.00001.

Submission:

Labcorp Genetics (formerly Invitae), Labcorp
Classification: Pathogenic. Last evaluated: 2024-01-04. Review status: criteria provided, single submitter. Criteria: Invitae Variant Classification Sherloc (09022015). Collection method: clinical testing. Allele origin: germline.
Comment: This sequence change creates a premature translational stop signal (p.Ile335Metfs*52) in the TNFRSF11A gene. It is expected to result in an absent or disrupted protein product. Loss-of-function variants in TNFRSF11A are known to be pathogenic (PMID: 10677500, 18606301, 22271396). This variant is present in population databases (no rsID available, gnomAD 0.0009%). This variant has not been reported in the literature in individuals affected with TNFRSF11A-related conditions. For these reasons, this variant has been classified as Pathogenic.

Literature cited by the submitters: PubMed 10677500; PubMed 18606301; PubMed 22271396.

NM_003839.4(TNFRSF11A):c.1005del (p.Ile335fs)

Gene: TNFRSF11A (TNF receptor superfamily member 11a; plus strand). Cytogenetic location: 18q21.33.
Variant type: Deletion.
Coding change: c.1005del on transcript NM_003839.4 (MANE Select); coding-DNA position 1005, one base deleted (A; older notation c.1005delA).
Protein change: p.Ile335fs; shifts the reading frame from isoleucine 335.
Molecular consequence: frameshift variant. On other transcripts: intron variant (3).
Genome position (GRCh38, 1-based): chr18:62,368,922, A deleted. VCF-style (leftmost placement, unchanged base first): chr18-62368921-TA-T. GRCh37 (hg19) VCF-style: chr18-60036154-TA-T.
Other names: c.963del, p.Ile321fs (NM_001278268.2); c.783+2162del (NM_001270949.2); c.730+7129del (NM_001270950.2); c.616+8873del (NM_001270951.2); short protein forms I321fs, I335fs.
Identifiers: ClinVar variation 2707448 (VCV002707448.3), dbSNP rs1229192702, ClinGen allele CA630397231.